The following is an entry in ClinVar:

ClinVar aggregate classification (germline): Uncertain significance (1 of 4 stars; one submission).

Submission:

Labcorp Genetics (formerly Invitae), Labcorp
Classification: Uncertain significance. Last evaluated: 2025-03-10. Review status: criteria provided, single submitter. Criteria: Invitae Variant Classification Sherloc (09022015). Collection method: clinical testing. Allele origin: germline.
Comment: This sequence change replaces aspartic acid, which is acidic and polar, with asparagine, which is neutral and polar, at codon 370 of the CFB protein (p.Asp370Asn). This variant is not present in population databases (gnomAD no frequency). This variant has not been reported in the literature in individuals affected with CFB-related conditions. Invitae Evidence Modeling of protein sequence and biophysical properties (such as structural, functional, and spatial information, amino acid conservation, physicochemical variation, residue mobility, and thermodynamic stability) indicates that this missense variant is not expected to disrupt CFB protein function with a negative predictive value of 80%. In summary, the available evidence is currently insufficient to determine the role of this variant in disease. Therefore, it has been classified as a Variant of Uncertain Significance.

NM_001710.6(CFB):c.1108G>A (p.Asp370Asn)

Gene: CFB (complement factor B; plus strand). Cytogenetic location: 6p21.33.
Variant type: single nucleotide variant.
Coding change: c.1108G>A on transcript NM_001710.6 (MANE Select); coding-DNA position 1108, G replaced by A.
Protein change: p.Asp370Asn; replaces aspartic acid 370 with asparagine.
Molecular consequence: missense variant.
Genome position (GRCh38, 1-based): chr6:31,948,901, G>A. VCF-style: chr6-31948901-G-A. GRCh37 (hg19) VCF-style: chr6-31916678-G-A.
Other names: short protein forms D370N.
Identifiers: ClinVar variation 3646020 (VCV003646020.2).